The following is an entry in ClinVar:

ClinVar aggregate classification (germline): Uncertain significance (1 of 4 stars; one submission).

Allele frequency attached by ClinVar (database versions not stated): TOPMed below 0.00001.
gnomAD v4.1: 1 of 1,514,516 alleles (0.000066%); highest among the groups gnomAD compares: Non-Finnish European, 0.000091%; no homozygotes.

Submission:

Labcorp Genetics (formerly Invitae), Labcorp
Classification: Uncertain significance. Last evaluated: 2021-10-14. Review status: criteria provided, single submitter. Criteria: Invitae Variant Classification Sherloc (09022015). Collection method: clinical testing. Allele origin: germline.
Comment: This sequence change replaces lysine with asparagine at codon 826 of the POLR3A protein (p.Lys826Asn). The lysine residue is highly conserved and there is a moderate physicochemical difference between lysine and asparagine. This variant also falls at the last nucleotide of exon 18, which is part of the consensus splice site for this exon. This variant is not present in population databases (ExAC no frequency). This variant has not been reported in the literature in individuals affected with POLR3A-related conditions. Algorithms developed to predict the effect of missense changes on protein structure and function are either unavailable or do not agree on the potential impact of this missense change (SIFT: "Deleterious"; PolyPhen-2: "Possibly Damaging"; Align-GVGD: "Class C0"). Variants that disrupt the consensus splice site are a relatively common cause of aberrant splicing (PMID: 17576681, 9536098). Algorithms developed to predict the effect of sequence changes on RNA splicing suggest that this variant may disrupt the consensus splice site. In summary, the available evidence is currently insufficient to determine the role of this variant in disease. Therefore, it has been classified as a Variant of Uncertain Significance.

Literature cited by the submitters: PubMed 17576681; PubMed 9536098.

NM_007055.4(POLR3A):c.2478G>C (p.Lys826Asn)

Gene: POLR3A (RNA polymerase III subunit A; minus strand). Cytogenetic location: 10q22.3.
Variant type: single nucleotide variant.
Coding change: c.2478G>C on transcript NM_007055.4 (MANE Select); coding-DNA position 2478, G replaced by C.
Protein change: p.Lys826Asn; replaces lysine 826 with asparagine.
Molecular consequence: missense variant.
Genome position (GRCh38, 1-based): chr10:78,000,976, C>G on the plus strand (G>C on the coding strand, the complement: POLR3A is on the minus strand). VCF-style: chr10-78000976-C-G. GRCh37 (hg19) VCF-style: chr10-79760734-C-G.
Other names: short protein forms K826N.
Identifiers: ClinVar variation 1443009 (VCV001443009.5), dbSNP rs1325333981, ClinGen allele CA377336140.
Genomic context (GRCh38, chr10:78,000,976, plus strand): 5'-CTTGGAGGAAAGTGTAGATTAAGAGATCTTCACAGTTCTACCTGATCTGCTACTGCTTAC[C>G]TTTGAGTGTTTTTCAAAATGAGGCAAGGACCTGTTTTCAAAGCCGTCTGGCACTCGAGAG-3'
Protein context (NP_008986.2, residues 816-836): RSLPHFEKHS[Lys826Asn]LPAAKGFVAN